The following is an entry in ClinVar:

NM_198586.3(NHLRC1):c.178C>T (p.His60Tyr)

Gene: NHLRC1 (NHL repeat containing E3 ubiquitin protein ligase 1; minus strand). Cytogenetic location: 6p22.3.
Variant type: single nucleotide variant.
Coding change: c.178C>T on transcript NM_198586.3 (MANE Select); coding-DNA position 178, C replaced by T.
Protein change: p.His60Tyr; replaces histidine 60 with tyrosine.
Molecular consequence: missense variant.
Genome position (GRCh38, 1-based): chr6:18,122,429, G>A on the plus strand (C>T on the coding strand, the complement: NHLRC1 is on the minus strand). VCF-style: chr6-18122429-G-A. GRCh37 (hg19) VCF-style: chr6-18122660-G-A.
Other names: short protein forms H60Y.
Identifiers: ClinVar variation 449234 (VCV000449234.18), dbSNP rs539307365, ClinGen allele CA3650034.

ClinVar aggregate classification (germline): Conflicting classifications of pathogenicity. Review status: criteria provided, conflicting classifications (1 of 4 stars). 4 submissions from 4 submitters: Uncertain significance (3); Likely benign (1). Last evaluated 2025-10-29.

Conditions:
Lafora disease. Also called: Epilepsy progressive myoclonic 2; Progressive Myoclonus Epilepsy, Lafora Type. Identifiers: Orphanet 501, MedGen C0751783, MONDO:0009697.
Inborn genetic diseases. Identifiers: MedGen C0950123, MeSH D030342.

Allele frequency attached by ClinVar (database versions not stated): gnomAD 0.00021 and 0.00019; 1000 Genomes Project 30x 0.00031; gnomAD exomes 0.00001 and 0.00003; ExAC 0.00006; TOPMed 0.00019; 1000 Genomes Project 0.00020.
gnomAD v4.1: 48 of 1,591,452 alleles (0.003%); highest among the groups gnomAD compares: African/African-American, 0.059%; no homozygotes.

Submissions (4):

Labcorp Genetics (formerly Invitae), Labcorp
Classification: Likely benign for Lafora disease. Last evaluated: 2025-10-29. Review status: criteria provided, single submitter. Criteria: Invitae Variant Classification Sherloc (09022015). Collection method: clinical testing. Allele origin: germline.

Ambry Genetics
Classification: Uncertain significance for Inborn genetic diseases. Last evaluated: 2025-02-14. Review status: criteria provided, single submitter. Criteria: Ambry Variant Classification Scheme 2023. Collection method: clinical testing. Allele origin: germline.

GeneDx
Classification: Uncertain significance. Last evaluated: 2023-07-10. Review status: criteria provided, single submitter. Criteria: GeneDx Variant Classification Process June 2021. Collection method: clinical testing. Allele origin: germline. Affected: yes.
Comment: In silico analysis supports that this missense variant does not alter protein structure/function; Has not been previously published as pathogenic or benign to our knowledge

Mayo Clinic Laboratories, Mayo Clinic
Classification: Uncertain significance. Last evaluated: 2020-10-06. Review status: criteria provided, single submitter. Criteria: ACMG Guidelines, 2015. Collection method: clinical testing. Allele origin: germline. Observed: 1 variant allele.